The following is an entry in ClinVar:

NM_001134363.3(RBM20):c.465TGC[1] (p.Ala158del)

Gene: RBM20 (RNA binding motif protein 20; plus strand). Cytogenetic location: 10q25.2.
Variant type: Microsatellite.
Coding change: c.465TGC[1] on transcript NM_001134363.3 (MANE Select); one copy of the 3-base unit TGC starting at c.465; the reference has two copies in a row; one copy, 3 bases deleted; also written c.468_470del.
Protein change: p.Ala158del; deletes alanine 158.
Molecular consequence: inframe deletion.
Genome position (GRCh38, 1-based): chr10:110,781,077-110,781,079, TGC deleted; deleting any 3 consecutive bases within chr10:110,781,074-110,781,079 gives the same sequence; the position shown is the placement nearest the transcript's 3' end. VCF-style (leftmost placement, unchanged base first): chr10-110781073-ATGC-A. GRCh37 (hg19) VCF-style: chr10-112540831-ATGC-A.
Other names: c.468_470del (NM_001134363.3); short protein forms A158del.
Identifiers: ClinVar variation 518222 (VCV000518222.12), dbSNP rs1231520936, ClinGen allele CA596112231.

ClinVar aggregate classification (germline): Uncertain significance. Review status: criteria provided, multiple submitters, no conflicts (2 of 4 stars). 3 submissions from 3 submitters: Uncertain significance (3). Last evaluated 2025-12-23.

Conditions:
Cardiovascular phenotype. Identifiers: MedGen CN230736.
Dilated cardiomyopathy 1DD (CMD1DD). Identifiers: Orphanet 154, MedGen C2750995, MONDO:0013168, OMIM 613172.

Submissions (3):

Labcorp Genetics (formerly Invitae), Labcorp
Classification: Uncertain significance for Dilated cardiomyopathy 1DD. Last evaluated: 2025-12-23. Review status: criteria provided, single submitter. Criteria: Invitae Variant Classification Sherloc (09022015). Collection method: clinical testing. Allele origin: germline.
Comment: This variant, c.468_470del, results in the deletion of 1 amino acid(s) of the RBM20 protein (p.Ala158del), but otherwise preserves the integrity of the reading frame. This variant is present in population databases (no rsID available, gnomAD 0.007%). This variant has been observed in individual(s) with clinical features of RBM20-related conditions (PMID: 30847666). Experimental studies and prediction algorithms are not available or were not evaluated, and the functional significance of this variant is currently unknown. In summary, the available evidence is currently insufficient to determine the role of this variant in disease. Therefore, it has been classified as a Variant of Uncertain Significance.

Ambry Genetics
Classification: Uncertain significance for Cardiovascular phenotype. Last evaluated: 2023-01-04. Review status: criteria provided, single submitter. Criteria: Ambry Variant Classification Scheme 2023. Collection method: clinical testing. Allele origin: germline.
Comment: The c.468_470delTGC variant (also known as p.A158del) is located in coding exon 2 of the RBM20 gene. This variant results from an in-frame TGC deletion at nucleotide positions 468 to 470. This variant was detected in a cardiomyopathy genetic testing cohort; however, clinical details were limited, and additional cardiac variants were detected in some cases (van Lint FHM et al. Neth Heart J, 2019 Jun;27:304-309). This results in the in-frame deletion of an alanine at codon 158. This amino acid position is poorly conserved in available vertebrate species. In addition, this alteration is predicted to be neutral by in silico analysis (Choi Y et al. PLoS ONE. 2012; 7(10):e46688). Since supporting evidence is limited at this time, the clinical significance of this alteration remains unclear.

Fulgent Genetics
Classification: Uncertain significance for Dilated cardiomyopathy 1DD. Last evaluated: 2021-11-16. Review status: criteria provided, single submitter. Criteria: ACMG Guidelines, 2015. Collection method: clinical testing. Allele origin: unknown.

Literature cited by the submitters: PubMed 30847666 (cited by Labcorp Genetics (formerly Invitae), Labcorp and Ambry Genetics).